The following is an entry in ClinVar:

NM_080680.3(COL11A2):c.4566G>T (p.Met1522Ile)

Gene: COL11A2 (collagen type XI alpha 2 chain; minus strand). Cytogenetic location: 6p21.32.
Variant type: single nucleotide variant.
Coding change: c.4566G>T on transcript NM_080680.3 (MANE Select); coding-DNA position 4566, G replaced by T.
Protein change: p.Met1522Ile; replaces methionine 1522 with isoleucine.
Molecular consequence: missense variant.
Genome position (GRCh38, 1-based): chr6:33,165,733, C>A on the plus strand (G>T on the coding strand, the complement: COL11A2 is on the minus strand). VCF-style: chr6-33165733-C-A. GRCh37 (hg19) VCF-style: chr6-33133510-C-A.
Other names: c.4308G>T, p.Met1436Ile (NM_080681.3); c.4386G>T, p.Met1462Ile (NM_001424108.1); c.3720G>T, p.Met1240Ile (NM_001424109.1); c.3540G>T, p.Met1180Ile (NM_001424110.1, NM_001424111.1); c.2520G>T, p.Met840Ile (NM_001424112.1); c.4245G>T, p.Met1415Ile (NM_080679.3); short protein forms M1415I, M1240I, M1522I, M840I, M1180I, M1436I, M1462I.
Identifiers: ClinVar variation 3716263 (VCV003716263.2).

ClinVar aggregate classification (germline): Uncertain significance (1 of 4 stars; one submission).

Submission:

Labcorp Genetics (formerly Invitae), Labcorp
Classification: Uncertain significance. Last evaluated: 2025-12-15. Review status: criteria provided, single submitter. Criteria: Invitae Variant Classification Sherloc (09022015). Collection method: clinical testing. Allele origin: germline.
Comment: This sequence change replaces methionine, which is neutral and non-polar, with isoleucine, which is neutral and non-polar, at codon 1522 of the COL11A2 protein (p.Met1522Ile). This variant is not present in population databases (gnomAD no frequency). This variant has not been reported in the literature in individuals affected with COL11A2-related conditions. ClinVar contains an entry for this variant (Variation ID: 3716263). Invitae Evidence Modeling of protein sequence and biophysical properties (such as structural, functional, and spatial information, amino acid conservation, physicochemical variation, residue mobility, and thermodynamic stability) indicates that this missense variant is not expected to disrupt COL11A2 protein function with a negative predictive value of 95%. In summary, the available evidence is currently insufficient to determine the role of this variant in disease. Therefore, it has been classified as a Variant of Uncertain Significance.